The following is an entry in ClinVar:

NM_001042492.3(NF1):c.1457C>T (p.Thr486Ile)

Gene: NF1 (neurofibromin 1; plus strand). Cytogenetic location: 17q11.2.
Variant type: single nucleotide variant.
Coding change: c.1457C>T on transcript NM_001042492.3 (MANE Select); coding-DNA position 1457, C replaced by T.
Protein change: p.Thr486Ile; replaces threonine 486 with isoleucine.
Molecular consequence: missense variant.
Genome position (GRCh38, 1-based): chr17:31,214,515, C>T. VCF-style: chr17-31214515-C-T. GRCh37 (hg19) VCF-style: chr17-29541533-C-T.
Other names: c.1457C>T, p.Thr486Ile (NM_000267.4, NM_001128147.3); short protein forms T486I.
Identifiers: ClinVar variation 648843 (VCV000648843.7), dbSNP rs1019393337, ClinGen allele CA289356782.
Genomic context (GRCh38, chr17:31,214,515, plus strand): 5'-TTACATTTAAAGAAAAAGTAACAAGCCTTAAATTTAAAGAAAAACCTACAGACCTGGAGA[C>T]AAGAAGCTATAAGTATCTTCTCTTGTCCATGGTGAAACTAATTCATGCAGATCCAAAGCT-3'
Protein context (NP_001035957.1, residues 476-496): KFKEKPTDLE[Thr486Ile]RSYKYLLLSM

ClinVar aggregate classification (germline): Uncertain significance (1 of 4 stars; one submission).

Conditions:
Neurofibromatosis, type 1 (NF1). Also called: VON RECKLINGHAUSEN DISEASE; Neurofibromatosis, type I; NEUROFIBROMATOSIS, TYPE I, SOMATIC; Peripheral type neurofibromatosis. Identifiers: Orphanet 636, MedGen C0027831, MONDO:0018975, OMIM 162200. Disease mechanism: loss of function.

Allele frequency attached by ClinVar (database versions not stated): TOPMed below 0.00001.

Submission:

Labcorp Genetics (formerly Invitae), Labcorp
Classification: Uncertain significance for Neurofibromatosis, type 1. Last evaluated: 2023-07-17. Review status: criteria provided, single submitter. Criteria: Invitae Variant Classification Sherloc (09022015). Collection method: clinical testing. Allele origin: germline.
Comment: This variant has not been reported in the literature in individuals affected with NF1-related conditions. In summary, the available evidence is currently insufficient to determine the role of this variant in disease. Therefore, it has been classified as a Variant of Uncertain Significance. Advanced modeling of protein sequence and biophysical properties (such as structural, functional, and spatial information, amino acid conservation, physicochemical variation, residue mobility, and thermodynamic stability) has been performed at Invitae for this missense variant, however the output from this modeling did not meet the statistical confidence thresholds required to predict the impact of this variant on NF1 protein function. ClinVar contains an entry for this variant (Variation ID: 648843). This variant is not present in population databases (gnomAD no frequency). This sequence change replaces threonine, which is neutral and polar, with isoleucine, which is neutral and non-polar, at codon 486 of the NF1 protein (p.Thr486Ile).